The following is an entry in ClinVar:

NM_005262.3(GFER):c.34G>A (p.Gly12Ser)

Genes: GFER (growth factor, augmenter of liver regeneration; plus strand), LOC130058203 (ATAC-STARR-seq lymphoblastoid silent region 7014; plus strand). Cytogenetic location: 16p13.3.
Variant type: single nucleotide variant.
Coding change: c.34G>A on transcript NM_005262.3 (MANE Select); coding-DNA position 34, G replaced by A.
Protein change: p.Gly12Ser; replaces glycine 12 with serine.
Molecular consequence: missense variant.
Genome position (GRCh38, 1-based): chr16:1,984,252, G>A. VCF-style: chr16-1984252-G-A. GRCh37 (hg19) VCF-style: chr16-2034253-G-A.
Other names: c.34G>A (NM_005262.2); short protein forms G12S.
Identifiers: ClinVar variation 1368139 (VCV001368139.4), dbSNP rs1440828796, ClinGen allele CA394300103.

ClinVar aggregate classification (germline): Uncertain significance. Review status: criteria provided, multiple submitters, no conflicts (2 of 4 stars). 2 submissions from 2 submitters: Uncertain significance (2). Last evaluated 2022-12-02.

Conditions:
Inborn genetic diseases. Identifiers: MedGen C0950123, MeSH D030342.

Allele frequency attached by ClinVar (database versions not stated): gnomAD exomes 0.00001.

Submissions (2):

Ambry Genetics
Classification: Uncertain significance for Inborn genetic diseases. Last evaluated: 2022-12-02. Review status: criteria provided, single submitter. Criteria: Ambry Variant Classification Scheme 2023. Collection method: clinical testing. Allele origin: germline.

Labcorp Genetics (formerly Invitae), Labcorp
Classification: Uncertain significance. Last evaluated: 2021-12-09. Review status: criteria provided, single submitter. Criteria: Invitae Variant Classification Sherloc (09022015). Collection method: clinical testing. Allele origin: germline.
Comment: This sequence change replaces glycine, which is neutral and non-polar, with serine, which is neutral and polar, at codon 12 of the GFER protein (p.Gly12Ser). The frequency data for this variant in the population databases is considered unreliable, as metrics indicate poor data quality at this position in the gnomAD database. This variant has not been reported in the literature in individuals affected with GFER-related conditions. Algorithms developed to predict the effect of missense changes on protein structure and function output the following: SIFT: "Tolerated"; PolyPhen-2: "Benign"; Align-GVGD: "Class C0". The serine amino acid residue is found in multiple mammalian species, which suggests that this missense change does not adversely affect protein function. Algorithms developed to predict the effect of sequence changes on RNA splicing suggest that this variant may create or strengthen a splice site. In summary, the available evidence is currently insufficient to determine the role of this variant in disease. Therefore, it has been classified as a Variant of Uncertain Significance.